The following is an entry in ClinVar:

NM_000552.5(VWF):c.3229C>A (p.Pro1077Thr)

Gene: VWF (von Willebrand factor; minus strand). Cytogenetic location: 12p13.31.
Variant type: single nucleotide variant.
Coding change: c.3229C>A on transcript NM_000552.5 (MANE Select); coding-DNA position 3229, C replaced by A.
Protein change: p.Pro1077Thr; replaces proline 1077 with threonine.
Molecular consequence: missense variant.
Genome position (GRCh38, 1-based): chr12:6,023,781, G>T on the plus strand (C>A on the coding strand, the complement: VWF is on the minus strand). VCF-style: chr12-6023781-G-T. GRCh37 (hg19) VCF-style: chr12-6132947-G-T.
Other names: short protein forms P1077T.
Identifiers: ClinVar variation 2576832 (VCV002576832.3), dbSNP rs1330515069, ClinGen allele CA383512342.

ClinVar aggregate classification (germline): Uncertain significance. Review status: criteria provided, multiple submitters, no conflicts (2 of 4 stars). 2 submissions from 2 submitters: Uncertain significance (2). Last evaluated 2025-04-28.

Submissions (2):

Women's Health and Genetics/Laboratory Corporation of America, LabCorp
Classification: Uncertain significance. Last evaluated: 2025-04-28. Review status: criteria provided, single submitter. Criteria: LabCorp Variant Classification Summary - May 2015. Collection method: clinical testing. Allele origin: germline.
Comment: Variant summary: VWF c.3229C>A (p.Pro1077Thr) results in a non-conservative amino acid change located in the VWF/SSPO/Zonadhesin-like cysteine-rich domain (IPR014853) of the encoded protein sequence. Five of five in-silico tools predict a damaging effect of the variant on protein function. The frequency data for this variant in gnomAD is considered unreliable, as metrics indicate poor data quality at this position. To our knowledge, no occurrence of c.3229C>A in individuals affected with Von Willebrand Disease and no experimental evidence demonstrating its impact on protein function have been reported. ClinVar contains an entry for this variant (Variation ID: 2576832). Based on the evidence outlined above, the variant was classified as uncertain significance.

GeneDx
Classification: Uncertain significance. Last evaluated: 2023-02-15. Review status: criteria provided, single submitter. Criteria: GeneDx Variant Classification Process June 2021. Collection method: clinical testing. Allele origin: germline. Affected: yes.
Comment: Not observed at significant frequency in large population cohorts (gnomAD); In silico analysis supports that this missense variant has a deleterious effect on protein structure/function; Has not been previously published as pathogenic or benign to our knowledge